The following is an entry in ClinVar:

ClinVar aggregate classification (germline): Likely pathogenic (1 of 4 stars; one submission).

Submission:

Labcorp Genetics (formerly Invitae), Labcorp
Classification: Likely pathogenic. Last evaluated: 2022-03-31. Review status: criteria provided, single submitter. Criteria: Invitae Variant Classification Sherloc (09022015). Collection method: clinical testing. Allele origin: germline.
Comment: This sequence change affects a donor splice site in intron 5 of the MUT gene. It is expected to disrupt RNA splicing. Variants that disrupt the donor or acceptor splice site typically lead to a loss of protein function (PMID: 16199547), and loss-of-function variants in MUT are known to be pathogenic (PMID: 15781192). This variant is not present in population databases (gnomAD no frequency). This variant has not been reported in the literature in individuals affected with MUT-related conditions. Algorithms developed to predict the effect of sequence changes on RNA splicing suggest that this variant may disrupt the consensus splice site. In summary, the currently available evidence indicates that the variant is pathogenic, but additional data are needed to prove that conclusively. Therefore, this variant has been classified as Likely Pathogenic.

Literature cited by the submitters: PubMed 16199547; PubMed 15781192.

NM_000255.4(MMUT):c.1083+1G>T

Gene: MMUT (methylmalonyl-CoA mutase; minus strand). Cytogenetic location: 6p12.3.
Variant type: single nucleotide variant.
Coding change: c.1083+1G>T on transcript NM_000255.4 (MANE Select); the canonical splice donor site of the intron after coding-DNA position 1083, G replaced by T.
Molecular consequence: splice donor variant.
Genome position (GRCh38, 1-based): chr6:49,453,584, C>A on the plus strand (G>T on the coding strand, the complement: MMUT is on the minus strand). VCF-style: chr6-49453584-C-A. GRCh37 (hg19) VCF-style: chr6-49421297-C-A.
Identifiers: ClinVar variation 1895588 (VCV001895588.5), dbSNP rs1554160198, ClinGen allele CA364400061.